The following is an entry in ClinVar:

NM_001098672.2(HEPHL1):c.573C>T (p.Asp191=)

Gene: HEPHL1 (hephaestin like 1; plus strand). Cytogenetic location: 11q21.
Variant type: single nucleotide variant.
Coding change: c.573C>T on transcript NM_001098672.2 (MANE Select); coding-DNA position 573, C replaced by T.
Protein change: p.Asp191=; no amino-acid change (aspartic acid 191 retained).
Molecular consequence: synonymous variant.
Genome position (GRCh38, 1-based): chr11:94,063,665, C>T. VCF-style: chr11-94063665-C-T. GRCh37 (hg19) VCF-style: chr11-93796831-C-T.
Identifiers: ClinVar variation 2642291 (VCV002642291.24), dbSNP rs202005678, ClinGen allele CA6233002.

ClinVar aggregate classification (germline): Likely benign (1 of 4 stars; one submission).

Allele frequency attached by ClinVar (database versions not stated): 1000 Genomes Project 0.00040; 1000 Genomes Project 30x 0.00047; ESP Exome Variant Server 0.00049; TOPMed 0.00053; gnomAD 0.00058.
gnomAD v4.1: 1,252 of 1,613,836 alleles (0.078%); highest among the groups gnomAD compares: East Asian, 0.21%; no homozygotes.

Submission:

CeGaT Center for Human Genetics Tuebingen
Classification: Likely benign. Last evaluated: 2022-11-01. Review status: criteria provided, single submitter. Criteria: CeGaT Center For Human Genetics Tuebingen Variant Classification Criteria Version 2. Collection method: clinical testing. Allele origin: germline. Affected: yes. Observed: 1 variant allele.
Comment: HEPHL1: BP4, BP7